The following is an entry in ClinVar:

ClinVar aggregate classification (germline): Conflicting classifications of pathogenicity. Review status: criteria provided, conflicting classifications (1 of 4 stars). 3 submissions from 3 submitters: Uncertain significance (1); Likely benign (2). Last evaluated 2025-10-27.

Conditions:
Cardiovascular phenotype. Identifiers: MedGen CN230736.

Allele frequency attached by ClinVar (database versions not stated): gnomAD exomes 0.00006; ExAC 0.00039; gnomAD 0.00068; TOPMed 0.00081; ESP Exome Variant Server 0.00108; 1000 Genomes Project 30x 0.00125; 1000 Genomes Project 0.00140.
gnomAD v4.1: 188 of 1,609,838 alleles (0.012%); highest among the groups gnomAD compares: African/African-American, 0.21%; no homozygotes.

Submissions (3):

Ambry Genetics
Classification: Uncertain significance for Cardiovascular phenotype. Last evaluated: 2025-10-27. Review status: criteria provided, single submitter. Criteria: Ambry Variant Classification Scheme 2023. Collection method: clinical testing. Allele origin: germline.
Comment: The p.R40M variant (also known as c.119G>T), located in coding exon 2 of the APOA5 gene, results from a G to T substitution at nucleotide position 119. The arginine at codon 40 is replaced by methionine, an amino acid with similar properties. This amino acid position is not well conserved in available vertebrate species. In addition, this alteration is predicted to be tolerated by in silico analysis. Since supporting evidence is limited at this time, the clinical significance of this alteration remains unclear.

Labcorp Genetics (formerly Invitae), Labcorp
Classification: Likely benign. Last evaluated: 2025-08-06. Review status: criteria provided, single submitter. Criteria: Invitae Variant Classification Sherloc (09022015). Collection method: clinical testing. Allele origin: germline.

Women's Health and Genetics/Laboratory Corporation of America, LabCorp
Classification: Likely benign. Last evaluated: 2023-07-18. Review status: criteria provided, single submitter. Criteria: LabCorp Variant Classification Summary - May 2015. Collection method: clinical testing. Allele origin: germline.

NM_001371904.1(APOA5):c.119G>T (p.Arg40Met)

Genes: APOA5 (apolipoprotein A5; minus strand), LOC108491825 (enhancer-blocking element 11-1-2 overlapping APOA5; plus strand). Cytogenetic location: 11q23.3.
Variant type: single nucleotide variant.
Coding change: c.119G>T on transcript NM_001371904.1 (MANE Select); coding-DNA position 119, G replaced by T.
Protein change: p.Arg40Met; replaces arginine 40 with methionine.
Molecular consequence: missense variant.
Genome position (GRCh38, 1-based): chr11:116,791,628, C>A on the plus strand (G>T on the coding strand, the complement: APOA5 is on the minus strand). VCF-style: chr11-116791628-C-A. GRCh37 (hg19) VCF-style: chr11-116662344-C-A.
Other names: c.119G>T, p.Arg40Met (NM_001166598.2, NM_052968.5); c.119G>T (NM_052968.4); short protein forms R40M.
Identifiers: ClinVar variation 2049432 (VCV002049432.7), dbSNP rs148778842, ClinGen allele CA6289155.